The following is an entry in ClinVar:

ClinVar aggregate classification (germline): Uncertain significance. Review status: criteria provided, multiple submitters, no conflicts (2 of 4 stars). 2 submissions from 2 submitters: Uncertain significance (2). Last evaluated 2025-08-27.

Conditions:
Familial adenomatous polyposis 2. Also called: MUTYH-associated polyposis; MUTYH-related attenuated familial adenomatous polyposis; FAP type 2; Adenomas, multiple colorectal; MYH-associated polyposis; MUTYH Polyposis. Identifiers: Orphanet 220460, Orphanet 247798, MedGen C3272841, MONDO:0012041, OMIM 608456.
Hereditary cancer-predisposing syndrome. Also called: Hereditary Cancer Syndrome; Hereditary neoplastic syndrome; Neoplastic Syndromes, Hereditary; Tumor predisposition. Identifiers: Orphanet 140162, MedGen C0027672, MeSH D009386, MONDO:0015356.

Submissions (2):

Ambry Genetics
Classification: Uncertain significance for Hereditary cancer-predisposing syndrome. Last evaluated: 2025-08-27. Review status: criteria provided, single submitter. Criteria: Ambry Variant Classification Scheme 2023. Collection method: clinical testing. Allele origin: germline.
Comment: The p.A308T variant (also known as c.922G>A), located in coding exon 10 of the MUTYH gene, results from a G to A substitution at nucleotide position 922. The alanine at codon 308 is replaced by threonine, an amino acid with similar properties. This amino acid position is conserved. In addition, this alteration is predicted to be deleterious by in silico analysis. Based on the available evidence, the clinical significance of this variant remains unclear.

Labcorp Genetics (formerly Invitae), Labcorp
Classification: Uncertain significance for Familial adenomatous polyposis 2. Last evaluated: 2022-07-17. Review status: criteria provided, single submitter. Criteria: Invitae Variant Classification Sherloc (09022015). Collection method: clinical testing. Allele origin: germline.
Comment: In summary, the available evidence is currently insufficient to determine the role of this variant in disease. Therefore, it has been classified as a Variant of Uncertain Significance. Algorithms developed to predict the effect of missense changes on protein structure and function (SIFT, PolyPhen-2, Align-GVGD) all suggest that this variant is likely to be disruptive. This variant has not been reported in the literature in individuals affected with MUTYH-related conditions. This variant is not present in population databases (gnomAD no frequency). This sequence change replaces alanine, which is neutral and non-polar, with threonine, which is neutral and polar, at codon 308 of the MUTYH protein (p.Ala308Thr).

NM_001048174.2(MUTYH):c.838G>A (p.Ala280Thr)

Gene: MUTYH (mutY DNA glycosylase; minus strand). Cytogenetic location: 1p34.1.
Variant type: single nucleotide variant.
Coding change: c.838G>A on transcript NM_001048174.2 (MANE Select); coding-DNA position 838, G replaced by A.
Protein change: p.Ala280Thr; replaces alanine 280 with threonine.
Molecular consequence: missense variant. On other transcripts: non-coding transcript variant (2).
Genome position (GRCh38, 1-based): chr1:45,332,177, C>T on the plus strand (G>A on the coding strand, the complement: MUTYH is on the minus strand). VCF-style: chr1-45332177-C-T. GRCh37 (hg19) VCF-style: chr1-45797849-C-T.
Other names: c.838G>A, p.Ala280Thr (NM_001048171.2, NM_001048173.2, NM_001293195.2 and 6 more transcripts); c.841G>A, p.Ala281Thr (NM_001048172.2, NM_001407086.1, NM_001407071.1 and 1 more transcripts); c.922G>A, p.Ala308Thr (NM_001128425.2); c.883G>A, p.Ala295Thr (NM_001293190.2); c.871G>A, p.Ala291Thr (NM_001293191.2, NM_001407069.1, NM_001407077.1); c.562G>A, p.Ala188Thr (NM_001293192.2, NM_001293196.2, NM_001407091.1); c.493G>A, p.Ala165Thr (NM_001350650.2, NM_001350651.2, NM_001407082.1); c.880G>A, p.Ala294Thr (NM_001407083.1, NM_001407085.1); and 5 more; short protein forms A165T, A188T, A252T, A266T, A267T, A280T, A281T, A287T.
Identifiers: ClinVar variation 1716528 (VCV001716528.6), dbSNP rs2149136879, ClinGen allele CA340134314.